The following is an entry in ClinVar:

NM_003737.4(DCHS1):c.4531C>G (p.Leu1511Val)

Gene: DCHS1 (dachsous cadherin-related 1; minus strand). Cytogenetic location: 11p15.4.
Variant type: single nucleotide variant.
Coding change: c.4531C>G on transcript NM_003737.4 (MANE Select); coding-DNA position 4531, C replaced by G.
Protein change: p.Leu1511Val; replaces leucine 1511 with valine.
Molecular consequence: missense variant.
Genome position (GRCh38, 1-based): chr11:6,630,263, G>C on the plus strand (C>G on the coding strand, the complement: DCHS1 is on the minus strand). VCF-style: chr11-6630263-G-C. GRCh37 (hg19) VCF-style: chr11-6651494-G-C.
Other names: c.4531C>G (NM_003737.2, NM_003737.3); short protein forms L1511V.
Identifiers: ClinVar variation 2068402 (VCV002068402.8), dbSNP rs1181160706, ClinGen allele CA379404224.

ClinVar aggregate classification (germline): Uncertain significance. Review status: criteria provided, multiple submitters, no conflicts (2 of 4 stars). 4 submissions from 4 submitters: Uncertain significance (4). Last evaluated 2025-11-23.

Conditions:
Inborn genetic diseases. Identifiers: MedGen C0950123, MeSH D030342.
DCHS1-related disorder. Also called: DCHS1-related condition.

Allele frequency attached by ClinVar (database versions not stated): gnomAD exomes 0.00001.
gnomAD v4.1: 17 of 1,539,168 alleles (0.0011%); highest among the groups gnomAD compares: Non-Finnish European, 0.0014%; no homozygotes.

Submissions (4):

Labcorp Genetics (formerly Invitae), Labcorp
Classification: Uncertain significance. Last evaluated: 2025-11-23. Review status: criteria provided, single submitter. Criteria: Invitae Variant Classification Sherloc (09022015). Collection method: clinical testing. Allele origin: germline.
Comment: This sequence change replaces leucine, which is neutral and non-polar, with valine, which is neutral and non-polar, at codon 1511 of the DCHS1 protein (p.Leu1511Val). This variant is present in population databases (no rsID available, gnomAD 0.002%). This variant has not been reported in the literature in individuals affected with DCHS1-related conditions. ClinVar contains an entry for this variant (Variation ID: 2068402). Invitae Evidence Modeling of protein sequence and biophysical properties (such as structural, functional, and spatial information, amino acid conservation, physicochemical variation, residue mobility, and thermodynamic stability) indicates that this missense variant is not expected to disrupt DCHS1 protein function with a negative predictive value of 80%. In summary, the available evidence is currently insufficient to determine the role of this variant in disease. Therefore, it has been classified as a Variant of Uncertain Significance.

PreventionGenetics, part of Exact Sciences
Classification: Uncertain significance for DCHS1-related condition. Last evaluated: 2025-01-06. Review status: criteria provided, single submitter. Criteria: ACMG Guidelines, 2015. Collection method: clinical testing. Allele origin: germline.
Comment: The DCHS1 c.4531C>G variant is predicted to result in the amino acid substitution p.Leu1511Val. To our knowledge, this variant has not been reported in the literature. This variant is reported in 0.0019% of alleles in individuals of European (Non-Finnish) descent in gnomAD. At this time, the clinical significance of this variant is uncertain due to the absence of conclusive functional and genetic evidence.

Ambry Genetics
Classification: Uncertain significance for Inborn genetic diseases. Last evaluated: 2024-01-30. Review status: criteria provided, single submitter. Criteria: Ambry Variant Classification Scheme 2023. Collection method: clinical testing. Allele origin: germline.

Revvity Omics, Revvity
Classification: Uncertain significance. Last evaluated: 2023-06-01. Review status: criteria provided, single submitter. Criteria: ACMG Guidelines, 2015. Collection method: clinical testing. Allele origin: germline.